The following is an entry in ClinVar:

NM_001868.4(CPA1):c.718C>T (p.Arg240Trp)

Gene: CPA1 (carboxypeptidase A1; plus strand). Cytogenetic location: 7q32.2.
Variant type: single nucleotide variant.
Coding change: c.718C>T on transcript NM_001868.4 (MANE Select); coding-DNA position 718, C replaced by T.
Protein change: p.Arg240Trp; replaces arginine 240 with tryptophan.
Molecular consequence: missense variant.
Genome position (GRCh38, 1-based): chr7:130,384,557, C>T. VCF-style: chr7-130384557-C-T. GRCh37 (hg19) VCF-style: chr7-130024398-C-T.
Other names: c.718C>T (NM_001868.3); short protein forms R240W.
Identifiers: ClinVar variation 1440910 (VCV001440910.12), dbSNP rs200036285, ClinGen allele CA4484921.

ClinVar aggregate classification (germline): Uncertain significance. Review status: criteria provided, multiple submitters, no conflicts (2 of 4 stars). 4 submissions from 4 submitters: Uncertain significance (4). Last evaluated 2026-07-01.

Conditions:
CPA1-related disorder. Also called: CPA1-related condition.
Hereditary pancreatitis (PCTT). Also called: PRSS1-Related Hereditary Pancreatitis; Hereditary chronic pancreatitis. Identifiers: Orphanet 676, MedGen C0238339, MONDO:0008185, OMIM 167800.

Allele frequency attached by ClinVar (database versions not stated): gnomAD exomes 0.00002; ExAC 0.00003.
gnomAD v4.1: 28 of 1,614,226 alleles (0.0017%); highest among the groups gnomAD compares: Admixed American, 0.0067%; no homozygotes.

Submissions (4):

CeGaT Center for Human Genetics Tuebingen
Classification: Uncertain significance. Last evaluated: 2026-07-01. Review status: criteria provided, single submitter. Criteria: CeGaT Center For Human Genetics Tuebingen Variant Classification Criteria Version 2. Collection method: clinical testing. Allele origin: germline. Affected: yes. Observed: 1 variant allele.
Comment: CPA1: PS4:Moderate, PM2:Supporting, PS3:Supporting

Labcorp Genetics (formerly Invitae), Labcorp
Classification: Uncertain significance. Last evaluated: 2025-10-21. Review status: criteria provided, single submitter. Criteria: Invitae Variant Classification Sherloc (09022015). Collection method: clinical testing. Allele origin: germline.
Comment: This sequence change replaces arginine, which is basic and polar, with tryptophan, which is neutral and slightly polar, at codon 240 of the CPA1 protein (p.Arg240Trp). This variant is present in population databases (rs200036285, gnomAD 0.01%). This variant has not been reported in the literature in individuals affected with CPA1-related conditions. ClinVar contains an entry for this variant (Variation ID: 1440910). Invitae Evidence Modeling of protein sequence and biophysical properties (such as structural, functional, and spatial information, amino acid conservation, physicochemical variation, residue mobility, and thermodynamic stability) indicates that this missense variant is expected to disrupt CPA1 protein function with a positive predictive value of 80%. In summary, the available evidence is currently insufficient to determine the role of this variant in disease. Therefore, it has been classified as a Variant of Uncertain Significance.

PreventionGenetics, part of Exact Sciences
Classification: Uncertain significance for CPA1-related condition. Last evaluated: 2025-05-16. Review status: criteria provided, single submitter. Criteria: ACMG Guidelines, 2015. Collection method: clinical testing. Allele origin: germline.
Comment: The CPA1 c.718C>T variant is predicted to result in the amino acid substitution p.Arg240Trp. This variant has been reported in an individual with pediatric-onset pancreatitis (Hirai et al. 2023. PubMed ID: 36599151). This variant is reported in 0.0087% of alleles in individuals of Latino descent in gnomAD. At this time, the clinical significance of this variant is uncertain due to the absence of conclusive functional and genetic evidence.

Ambry Genetics
Classification: Uncertain significance for Hereditary pancreatitis. Last evaluated: 2023-01-03. Review status: criteria provided, single submitter. Criteria: Ambry Variant Classification Scheme 2023. Collection method: clinical testing. Allele origin: germline.
Comment: The p.R240W variant (also known as c.718C>T), located in coding exon 7 of the CPA1 gene, results from a C to T substitution at nucleotide position 718. The arginine at codon 240 is replaced by tryptophan, an amino acid with dissimilar properties. An alternate amino acid substitution at this codon, p.R240Q (c.719G>A), has demonstrated reduced secretion and enzyme activity, but the clinical impact of these findings has not been determined; the close match p.R240Q has been reported in one pancreatic cancer case and in one unaffected control from a pancreatitis cohort, both of which had limited clinical details provided (Wu H et al. Hum. Mutat., 2017 08;38:959-963; Tamura K et al. Proc. Natl. Acad. Sci. U.S.A., 2018 05;115:4767-4772). This amino acid position is highly conserved in available vertebrate species. In addition, this alteration is predicted to be deleterious by in silico analysis. Since supporting evidence is limited at this time, the clinical significance of this alteration remains unclear.